The following is an entry in ClinVar:

NM_001378457.1(DMXL2):c.440A>G (p.Glu147Gly)

Gene: DMXL2 (Dmx like 2; minus strand). Cytogenetic location: 15q21.2.
Variant type: single nucleotide variant.
Coding change: c.440A>G on transcript NM_001378457.1 (MANE Select); coding-DNA position 440, A replaced by G.
Protein change: p.Glu147Gly; replaces glutamic acid 147 with glycine.
Molecular consequence: missense variant. On other transcripts: non-coding transcript variant (2).
Genome position (GRCh38, 1-based): chr15:51,564,185, T>C on the plus strand (A>G on the coding strand, the complement: DMXL2 is on the minus strand). VCF-style: chr15-51564185-T-C. GRCh37 (hg19) VCF-style: chr15-51856382-T-C.
Other names: c.440A>G, p.Glu147Gly (NM_001174116.3, NM_001174117.3, NM_001378458.1 and 7 more transcripts); short protein forms E147G.
Identifiers: ClinVar variation 2829231 (VCV002829231.3), dbSNP rs2548702749, ClinGen allele CA392756344.

ClinVar aggregate classification (germline): Uncertain significance (1 of 4 stars; one submission).

Submission:

Labcorp Genetics (formerly Invitae), Labcorp
Classification: Uncertain significance. Last evaluated: 2023-10-12. Review status: criteria provided, single submitter. Criteria: Invitae Variant Classification Sherloc (09022015). Collection method: clinical testing. Allele origin: germline.
Comment: This sequence change replaces glutamic acid, which is acidic and polar, with glycine, which is neutral and non-polar, at codon 147 of the DMXL2 protein (p.Glu147Gly). This variant is not present in population databases (gnomAD no frequency). This variant has not been reported in the literature in individuals affected with DMXL2-related conditions. An algorithm developed to predict the effect of missense changes on protein structure and function (PolyPhen-2) suggests that this variant is likely to be disruptive. In summary, the available evidence is currently insufficient to determine the role of this variant in disease. Therefore, it has been classified as a Variant of Uncertain Significance.